The following is an entry in ClinVar:

NM_003803.4(MYOM1):c.2480A>C (p.Glu827Ala)

Gene: MYOM1 (myomesin 1; minus strand). Cytogenetic location: 18p11.31.
Variant type: single nucleotide variant.
Coding change: c.2480A>C on transcript NM_003803.4 (MANE Select); coding-DNA position 2480, A replaced by C.
Protein change: p.Glu827Ala; replaces glutamic acid 827 with alanine.
Molecular consequence: missense variant.
Genome position (GRCh38, 1-based): chr18:3,131,401, T>G on the plus strand (A>C on the coding strand, the complement: MYOM1 is on the minus strand). VCF-style: chr18-3131401-T-G. GRCh37 (hg19) VCF-style: chr18-3131399-T-G.
Other names: c.2480A>C, p.Glu827Ala (NM_019856.2); short protein forms E827A.
Identifiers: ClinVar variation 3666500 (VCV003666500.2).
Genomic context (GRCh38, chr18:3,131,401, plus strand): 5'-TTTTCCCCCATACAGTTATGCATAAGGAACTTACCAATAGCAGCTTTGACTTCAATAGCT[T>G]CTGAATCCTGGGAATATTCACTAAGTCCAGCTGCATTGACTGCTCTGACCCGGAAAATAT-3'
Protein context (NP_003794.3, residues 817-837): AGLSEYSQDS[Glu827Ala]AIEVKAAIGG

ClinVar aggregate classification (germline): Uncertain significance (1 of 4 stars; one submission).

Conditions:
Hypertrophic cardiomyopathy. Also called: HYPERTROPHIC MYOCARDIOPATHY. Identifiers: Orphanet 217569, MedGen C0007194, MeSH D002312, MONDO:0005045, HP:0001639.

gnomAD v4.1: 1 of 1,613,744 alleles (0.000062%); highest among the groups gnomAD compares: African/African-American, 0.0013%; no homozygotes.

Submission:

Labcorp Genetics (formerly Invitae), Labcorp
Classification: Uncertain significance for Hypertrophic cardiomyopathy. Last evaluated: 2025-09-19. Review status: criteria provided, single submitter. Criteria: Invitae Variant Classification Sherloc (09022015). Collection method: clinical testing. Allele origin: germline.
Comment: This sequence change replaces glutamic acid, which is acidic and polar, with alanine, which is neutral and non-polar, at codon 827 of the MYOM1 protein (p.Glu827Ala). This variant is present in population databases (no rsID available, gnomAD 0.01%). This variant has not been reported in the literature in individuals affected with MYOM1-related conditions. ClinVar contains an entry for this variant (Variation ID: 3666500). Invitae Evidence Modeling of protein sequence and biophysical properties (such as structural, functional, and spatial information, amino acid conservation, physicochemical variation, residue mobility, and thermodynamic stability) has been performed for this missense variant. However, the output from this modeling did not meet the statistical confidence thresholds required to predict the impact of this variant on MYOM1 protein function. In summary, the available evidence is currently insufficient to determine the role of this variant in disease. Therefore, it has been classified as a Variant of Uncertain Significance.